The following is an entry in ClinVar:

ClinVar aggregate classification (germline): Uncertain significance. Review status: criteria provided, multiple submitters, no conflicts (2 of 4 stars). 4 submissions from 4 submitters: Uncertain significance (4). Last evaluated 2022-02-03.

Conditions:
Autosomal recessive spastic paraplegia type 78. Identifiers: Orphanet 513436, MedGen C5567893, MONDO:0014975, OMIM 617225.
Kufor-Rakeb syndrome (KRS). Also called: PARKINSON DISEASE 9, AUTOSOMAL RECESSIVE, JUVENILE-ONSET. Identifiers: Orphanet 306674, Orphanet 314632, MedGen C1847640, MONDO:0011706, OMIM 606693.
Inborn genetic diseases. Identifiers: MedGen C0950123, MeSH D030342.

Allele frequency attached by ClinVar (database versions not stated): gnomAD 0.00001 and 0.00002; gnomAD exomes 0.00001 and 0.00002; ExAC 0.00005; 1000 Genomes Project 30x 0.00031; 1000 Genomes Project 0.00040.
gnomAD v4.1: 7 of 1,614,074 alleles (0.00043%); highest among the groups gnomAD compares: East Asian, 0.016%; no homozygotes.

Submissions (4):

Fulgent Genetics
Classification: Uncertain significance for Kufor-Rakeb syndrome; Autosomal recessive spastic paraplegia type 78. Last evaluated: 2022-02-03. Review status: criteria provided, single submitter. Criteria: ACMG Guidelines, 2015. Collection method: clinical testing. Allele origin: unknown.

GeneDx
Classification: Uncertain significance. Last evaluated: 2021-01-19. Review status: criteria provided, single submitter. Criteria: GeneDx Variant Classification Process June 2021. Collection method: clinical testing. Allele origin: germline. Affected: yes.
Comment: In silico analysis supports that this missense variant has a deleterious effect on protein structure/function; Reported in the heterozygous state in a patient with Hirschsprung disease (HSCR) who also had several variants reported in other genes that may have been responsible for the phenotype (Tang et al., 2018); This variant is associated with the following publications: (PMID: 29483666)

Illumina Laboratory Services, Illumina
Classification: Uncertain significance for Kufor-Rakeb syndrome. Last evaluated: 2018-01-13. Review status: criteria provided, single submitter. Criteria: ICSL Variant Classification Criteria 13 December 2019. Collection method: clinical testing. Allele origin: germline.

Ambry Genetics
Classification: Uncertain significance for Inborn genetic diseases. Last evaluated: 2017-11-02. Review status: criteria provided, single submitter. Criteria: Ambry Variant Classification Scheme 2023. Collection method: clinical testing. Allele origin: germline.
Comment: The p.P474A variant (also known as c.1420C>G), located in coding exon 15 of the ATP13A2 gene, results from a C to G substitution at nucleotide position 1420. The proline at codon 474 is replaced by alanine, an amino acid with highly similar properties. This amino acid position is highly conserved in available vertebrate species. In addition, this alteration is predicted to be deleterious by in silico analysis. Since supporting evidence is limited at this time, the clinical significance of this alteration remains unclear.

NM_022089.4(ATP13A2):c.1420C>G (p.Pro474Ala)

Gene: ATP13A2 (ATPase cation transporting 13A2; minus strand). Cytogenetic location: 1p36.13.
Variant type: single nucleotide variant.
Coding change: c.1420C>G on transcript NM_022089.4 (MANE Select); coding-DNA position 1420, C replaced by G.
Protein change: p.Pro474Ala; replaces proline 474 with alanine.
Molecular consequence: missense variant.
Genome position (GRCh38, 1-based): chr1:16,996,098, G>C on the plus strand (C>G on the coding strand, the complement: ATP13A2 is on the minus strand). VCF-style: chr1-16996098-G-C. GRCh37 (hg19) VCF-style: chr1-17322593-G-C.
Other names: c.1405C>G, p.Pro469Ala (NM_001141973.3, NM_001141974.3); short protein forms P474A, P469A.
Identifiers: ClinVar variation 293791 (VCV000293791.9), dbSNP rs530658980, ClinGen allele CA637211.